The following is an entry in ClinVar:

ClinVar aggregate classification (germline): Uncertain significance (0 of 4 stars; one submission).

Conditions:
MED14-related condition.

Submission:

PreventionGenetics, part of Exact Sciences
Classification: Uncertain significance for MED14-related condition. Last evaluated: 2024-07-16. Review status: no assertion criteria provided. Collection method: clinical testing. Allele origin: germline.
Comment: The MED14 c.635T>A variant is predicted to result in premature protein termination (p.Leu212*). To our knowledge, this variant has not been reported in the literature or in a large population database, indicating this variant is rare. At this time, the clinical significance of this variant is uncertain due to the absence of conclusive functional and genetic evidence.

NM_004229.4(MED14):c.635T>A (p.Leu212Ter)

Gene: MED14 (mediator complex subunit 14; minus strand). Cytogenetic location: Xp11.4.
Variant type: single nucleotide variant.
Coding change: c.635T>A on transcript NM_004229.4 (MANE Select); coding-DNA position 635, T replaced by A.
Protein change: p.Leu212Ter; replaces leucine 212 with a stop codon.
Molecular consequence: nonsense.
Genome position (GRCh38, 1-based): chrX:40,713,795, A>T on the plus strand (T>A on the coding strand, the complement: MED14 is on the minus strand). VCF-style: chrX-40713795-A-T. GRCh37 (hg19) VCF-style: chrX-40573047-A-T.
Other names: short protein forms L212*.
Identifiers: ClinVar variation 3347246 (VCV003347246.1).